The following is an entry in ClinVar:

ClinVar aggregate classification (germline): Benign/Likely benign. Review status: criteria provided, multiple submitters, no conflicts (2 of 4 stars). 6 submissions from 6 submitters: Benign (3); Likely benign (1). 2 of the submissions do not count toward it. Last evaluated 2026-01-20.

Conditions:
ANKRD1-related dilated cardiomyopathy. Identifiers: MedGen CN119551.

Allele frequency attached by ClinVar (database versions not stated): gnomAD exomes 0.00042; ExAC 0.00061; 1000 Genomes Project 30x 0.00172; gnomAD 0.00172 and 0.00184; 1000 Genomes Project 0.00180; TOPMed 0.00184; ESP Exome Variant Server 0.00239.
gnomAD v4.1: 502 of 1,594,152 alleles (0.031%); highest among the groups gnomAD compares: African/African-American, 0.59%; 3 homozygotes.

Submissions (6):

Labcorp Genetics (formerly Invitae), Labcorp
Classification: Benign for ANKRD1-related dilated cardiomyopathy. Last evaluated: 2026-01-20. Review status: criteria provided, single submitter. Criteria: Invitae Variant Classification Sherloc (09022015). Collection method: clinical testing. Allele origin: germline.

Women's Health and Genetics/Laboratory Corporation of America, LabCorp
Classification: Benign. Last evaluated: 2024-03-28. Review status: criteria provided, single submitter. Criteria: LabCorp Variant Classification Summary - May 2015. Collection method: clinical testing. Allele origin: germline.

GeneDx
Classification: Benign. Last evaluated: 2014-05-16. Review status: criteria provided, single submitter. Criteria: GeneDx Variant Classification (06012015). Collection method: clinical testing. Allele origin: germline. Affected: yes.
Comment: This variant is considered likely benign or benign based on one or more of the following criteria: it is a conservative change, it occurs at a poorly conserved position in the protein, it is predicted to be benign by multiple in silico algorithms, and/or has population frequency not consistent with disease.

Laboratory for Molecular Medicine, Mass General Brigham Personalized Medicine
Classification: Likely benign. Last evaluated: 2012-04-17. Review status: criteria provided, single submitter. Criteria: LMM Criteria. Collection method: clinical testing. Allele origin: germline. Observed: 4 variant alleles.
Comment: 208-15G>A in Intron 02 of ANKRD1: This variant is not expected to have clinical significance because it has been identified in 0.6% (24/3726) of African America n chromosomes from a broad population by the NHLBI Exome Sequencing Project (dbSNP rs116511484). 208-15G>A in Intron 02 of AN KRD1 (allele frequency = 0.6%, 24/3726; dbSNP rs116511484) **

Clinical Genetics, Academic Medical Center
Classification: Benign. Review status: no assertion criteria provided. Collection method: clinical testing. Allele origin: germline. Affected: yes. Study: VKGL Data-share Consensus. Not counted in ClinVar's aggregate classification.

Genome Diagnostics Laboratory, University Medical Center Utrecht
Classification: Benign. Review status: no assertion criteria provided. Collection method: clinical testing. Allele origin: germline. Affected: yes. Study: VKGL Data-share Consensus. Not counted in ClinVar's aggregate classification.

NM_014391.3(ANKRD1):c.208-15G>A

Gene: ANKRD1 (ankyrin repeat domain 1; minus strand). Cytogenetic location: 10q23.31.
Variant type: single nucleotide variant.
Coding change: c.208-15G>A on transcript NM_014391.3 (MANE Select); 15 bases into the intron before coding-DNA position 208, G replaced by A.
Molecular consequence: intron variant.
Genome position (GRCh38, 1-based): chr10:90,919,283, C>T on the plus strand (G>A on the coding strand, the complement: ANKRD1 is on the minus strand). VCF-style: chr10-90919283-C-T. GRCh37 (hg19) VCF-style: chr10-92679040-C-T.
Identifiers: ClinVar variation 45629 (VCV000045629.16), dbSNP rs116511484, ClinGen allele CA136832.